The following is an entry in ClinVar:

ClinVar aggregate classification (germline): Conflicting classifications of pathogenicity. Review status: criteria provided, conflicting classifications (1 of 4 stars). 3 submissions from 3 submitters: Uncertain significance (1); Likely benign (2). Last evaluated 2025-02-04.

Conditions:
Developmental and epileptic encephalopathy, 18 (DEE18). Also called: Early infantile epileptic encephalopathy 18. Identifiers: Orphanet 369894, MedGen C3809624, MONDO:0014201, OMIM 615476.

Allele frequency attached by ClinVar (database versions not stated): gnomAD 0.00001; ExAC 0.00002; gnomAD exomes 0.00002; TOPMed 0.00004.
gnomAD v4.1: 106 of 1,612,414 alleles (0.0066%); highest among the groups gnomAD compares: Non-Finnish European, 0.0085%; no homozygotes.

Submissions (3):

Labcorp Genetics (formerly Invitae), Labcorp
Classification: Likely benign. Last evaluated: 2025-02-04. Review status: criteria provided, single submitter. Criteria: Invitae Variant Classification Sherloc (09022015). Collection method: clinical testing. Allele origin: germline.

Blueprint Genetics
Classification: Likely benign. Last evaluated: 2023-09-20. Review status: criteria provided, single submitter. Criteria: ACMG Guidelines, 2015. Collection method: clinical testing. Allele origin: germline.

Baylor Genetics
Classification: Uncertain significance for Developmental and epileptic encephalopathy, 18. Last evaluated: 2018-02-26. Review status: criteria provided, single submitter. Criteria: ACMG Guidelines, 2015. Collection method: clinical testing. Allele origin: maternal. Affected: yes.
Comment: This variant was determined to be of uncertain significance according to ACMG Guidelines, 2015 [PMID:25741868].

NM_001365999.1(SZT2):c.3919+16G>A

Gene: SZT2 (SZT2 subunit of KICSTOR complex; plus strand). Cytogenetic location: 1p34.2.
Variant type: single nucleotide variant.
Coding change: c.3919+16G>A on transcript NM_001365999.1 (MANE Select); 16 bases into the intron after coding-DNA position 3919, G replaced by A.
Molecular consequence: intron variant.
Genome position (GRCh38, 1-based): chr1:43,428,134, G>A. VCF-style: chr1-43428134-G-A. GRCh37 (hg19) VCF-style: chr1-43893805-G-A.
Other names: c.3748+16G>A (NM_015284.4).
Identifiers: ClinVar variation 1033341 (VCV001033341.10), dbSNP rs753803790, ClinGen allele CA809141.
Genomic context (GRCh38, chr1:43,428,134, plus strand): 5'-ACTGTGCCCTGCTGCAGGAGCATGCACAGCGGTGCTATGTCCGTGGTGAGCAGGAGGGCC[G>A]TGGGAGGGAGGAGTGGGGCCCTGCGGGAGATACAGGGATTACAGGGTGGGGACTGGAGAG-3'